The following is an entry in ClinVar:

NM_178452.6(DNAAF1):c.433G>A (p.Glu145Lys)

Gene: DNAAF1 (dynein axonemal assembly factor 1; plus strand). Cytogenetic location: 16q24.1.
Variant type: single nucleotide variant.
Coding change: c.433G>A on transcript NM_178452.6 (MANE Select); coding-DNA position 433, G replaced by A.
Protein change: p.Glu145Lys; replaces glutamic acid 145 with lysine.
Molecular consequence: missense variant.
Genome position (GRCh38, 1-based): chr16:84,154,657, G>A. VCF-style: chr16-84154657-G-A. GRCh37 (hg19) VCF-style: chr16-84188262-G-A.
Other names: c.433G>A (NM_178452.4); short protein forms E145K.
Identifiers: ClinVar variation 2063323 (VCV002063323.4), dbSNP rs376980896, ClinGen allele CA8202493.

ClinVar aggregate classification (germline): Uncertain significance. Review status: criteria provided, multiple submitters, no conflicts (2 of 4 stars). 2 submissions from 2 submitters: Uncertain significance (2). Last evaluated 2024-10-15.

Conditions:
Primary ciliary dyskinesia. Also called: Ciliary dyskinesia. Identifiers: Orphanet 244, MedGen C0008780, MONDO:0016575, HP:0012265.

Allele frequency attached by ClinVar (database versions not stated): gnomAD 0.00002; TOPMed 0.00004; ESP Exome Variant Server 0.00008.
gnomAD v4.1: 51 of 1,614,008 alleles (0.0032%); highest among the groups gnomAD compares: Middle Eastern, 0.033%; no homozygotes.

Submissions (2):

Labcorp Genetics (formerly Invitae), Labcorp
Classification: Uncertain significance for Primary ciliary dyskinesia. Last evaluated: 2024-10-15. Review status: criteria provided, single submitter. Criteria: Invitae Variant Classification Sherloc (09022015). Collection method: clinical testing. Allele origin: germline.
Comment: This sequence change replaces glutamic acid, which is acidic and polar, with lysine, which is basic and polar, at codon 145 of the DNAAF1 protein (p.Glu145Lys). This variant is present in population databases (rs376980896, gnomAD 0.009%). This variant has not been reported in the literature in individuals affected with DNAAF1-related conditions. ClinVar contains an entry for this variant (Variation ID: 2063323). An algorithm developed to predict the effect of missense changes on protein structure and function (PolyPhen-2) suggests that this variant is likely to be disruptive. In summary, the available evidence is currently insufficient to determine the role of this variant in disease. Therefore, it has been classified as a Variant of Uncertain Significance.

Ambry Genetics
Classification: Uncertain significance for Primary ciliary dyskinesia. Last evaluated: 2024-04-04. Review status: criteria provided, single submitter. Criteria: Ambry Variant Classification Scheme 2023. Collection method: clinical testing. Allele origin: germline.